The following is an entry in ClinVar:

NM_000092.5(COL4A4):c.658-1G>C

Gene: COL4A4 (collagen type IV alpha 4 chain; minus strand). Cytogenetic location: 2q36.3.
Variant type: single nucleotide variant.
Coding change: c.658-1G>C on transcript NM_000092.5 (MANE Select); the canonical splice acceptor site of the intron before coding-DNA position 658, G replaced by C.
Molecular consequence: splice acceptor variant.
Genome position (GRCh38, 1-based): chr2:227,108,869, C>G on the plus strand (G>C on the coding strand, the complement: COL4A4 is on the minus strand). VCF-style: chr2-227108869-C-G. GRCh37 (hg19) VCF-style: chr2-227973585-C-G.
Identifiers: ClinVar variation 3392536 (VCV003392536.1).

ClinVar aggregate classification (germline): Likely pathogenic (1 of 4 stars; one submission).

Conditions:
Autosomal recessive Alport syndrome (ATS2). Also called: ALPORT SYNDROME 2, AUTOSOMAL RECESSIVE; COL4A4 Alport Syndrome and Thin Basement Membrane Nephropathy; COL4A3-Related Nephropathy; Alport syndrome type 2. Identifiers: Orphanet 63, Orphanet 88919, MedGen C4746745, MONDO:0008762, OMIM 203780.

Submission:

MVZ Medizinische Genetik Mainz
Classification: Likely pathogenic for Autosomal recessive Alport syndrome. Last evaluated: 2024-11-25. Review status: criteria provided, single submitter. Criteria: UK Practice Guidelines For Variant Classification V4 01 2020. Collection method: clinical testing. Allele origin: germline. Inheritance: Autosomal dominant inheritance. Affected: yes. Observed: 1 variant allele.
Comment: ACMG Criteria: PVS1,PM2_SUP